The following is an entry in ClinVar:

ClinVar aggregate classification (germline): Uncertain significance (1 of 4 stars; one submission).

Submission:

Labcorp Genetics (formerly Invitae), Labcorp
Classification: Uncertain significance. Last evaluated: 2023-04-07. Review status: criteria provided, single submitter. Criteria: Invitae Variant Classification Sherloc (09022015). Collection method: clinical testing. Allele origin: germline.
Comment: In summary, the available evidence is currently insufficient to determine the role of this variant in disease. Therefore, it has been classified as a Variant of Uncertain Significance. Experimental studies and prediction algorithms are not available or were not evaluated, and the functional significance of this variant is currently unknown. This variant has not been reported in the literature in individuals affected with SAMD9L-related conditions. This variant is not present in population databases (gnomAD no frequency). This sequence change creates a premature translational stop signal (p.Asp128Tyrfs*16) in the SAMD9L gene. While this is not anticipated to result in nonsense mediated decay, it is expected to disrupt the last 1457 amino acid(s) of the SAMD9L protein.

NM_152703.5(SAMD9L):c.382_383del (p.Asp128fs)

Gene: SAMD9L (sterile alpha motif domain containing 9 like; minus strand). Cytogenetic location: 7q21.2.
Variant type: Microsatellite.
Coding change: c.382_383del on transcript NM_152703.5 (MANE Select); coding-DNA positions 382 to 383, 2 bases deleted (GA; older notation c.382_383delGA).
Protein change: p.Asp128fs; shifts the reading frame from aspartic acid 128.
Molecular consequence: frameshift variant.
Genome position (GRCh38, 1-based): chr7:93,135,589-93,135,590, TC deleted on the plus strand (GA on the coding strand, the reverse complement: SAMD9L is on the minus strand); deleting any 2 consecutive bases within chr7:93,135,589-93,135,593 gives the same sequence; the c. name uses the placement nearest the transcript's 3' end. VCF-style (leftmost placement, unchanged base first): chr7-93135588-ATC-A. GRCh37 (hg19) VCF-style: chr7-92764901-ATC-A.
Other names: c.382_383del, p.Asp128fs (NM_001303496.3, NM_001303497.3, NM_001303498.3 and 5 more transcripts); short protein forms D128fs.
Identifiers: ClinVar variation 2786363 (VCV002786363.3), dbSNP rs2535438865, ClinGen allele CA2739279247.